The following is an entry in ClinVar:

ClinVar aggregate classification (germline): Uncertain significance. Review status: criteria provided, multiple submitters, no conflicts (2 of 4 stars). 2 submissions from 2 submitters: Uncertain significance (2). Last evaluated 2023-08-03.

Conditions:
ATP13A2-related disorder. Also called: ATP13A2-related condition; ATP13A2-related disorders.

Allele frequency attached by ClinVar (database versions not stated): TOPMed 0.00002; gnomAD 0.00001; ExAC 0.00008.
gnomAD v4.1: 30 of 1,613,058 alleles (0.0019%); highest among the groups gnomAD compares: Non-Finnish European, 0.0022%; 1 homozygote.

Submissions (2):

PreventionGenetics, part of Exact Sciences
Classification: Uncertain significance for ATP13A2-related condition. Last evaluated: 2023-08-03. Review status: criteria provided, single submitter. Criteria: ACMG Guidelines, 2015. Collection method: clinical testing. Allele origin: germline.
Comment: The ATP13A2 c.1157A>G variant is predicted to result in the amino acid substitution p.Tyr386Cys. To our knowledge, this variant has not been reported in the literature. This variant is reported in 0.0080% of alleles in individuals of European (Non-Finnish) descent in gnomAD, including a homozygous observation. At this time, the clinical significance of this variant is uncertain due to the absence of conclusive functional and genetic evidence.

GeneDx
Classification: Uncertain significance. Last evaluated: 2016-08-01. Review status: criteria provided, single submitter. Criteria: GeneDx Variant Classification (06012015). Collection method: clinical testing. Allele origin: germline. Affected: yes.
Comment: The Y386C variant in the ATP13A2 gene has not been reported previously as a pathogenic variant, nor as a benign variant, to our knowledge. The Y386C variant was not observed in approximately 6,500 individuals of European and African American ancestry in the NHLBI Exome Sequencing Project, indicating it is not a common benign variant in these populations. The Y386C variant is a non-conservative amino acid substitution, which is likely to impact secondary protein structure as these residues differ in polarity, charge, size and/or other properties. This substitution occurs at a position that is not conserved. In silico analysis predicts this variant is probably damaging to the protein structure/function. We interpret Y386C as a variant of uncertain significance.

NM_022089.4(ATP13A2):c.1157A>G (p.Tyr386Cys)

Gene: ATP13A2 (ATPase cation transporting 13A2; minus strand). Cytogenetic location: 1p36.13.
Variant type: single nucleotide variant.
Coding change: c.1157A>G on transcript NM_022089.4 (MANE Select); coding-DNA position 1157, A replaced by G.
Protein change: p.Tyr386Cys; replaces tyrosine 386 with cysteine.
Molecular consequence: missense variant.
Genome position (GRCh38, 1-based): chr1:16,997,058, T>C on the plus strand (A>G on the coding strand, the complement: ATP13A2 is on the minus strand). VCF-style: chr1-16997058-T-C. GRCh37 (hg19) VCF-style: chr1-17323553-T-C.
Other names: c.1142A>G, p.Tyr381Cys (NM_001141973.3, NM_001141974.3); c.1157A>G (NM_022089.3); short protein forms Y386C, Y381C.
Identifiers: ClinVar variation 387927 (VCV000387927.3), dbSNP rs762628723, ClinGen allele CA637352.